The following is an entry in ClinVar:

NM_020937.4(FANCM):c.3179C>T (p.Pro1060Leu)

Gene: FANCM (FA complementation group M; plus strand). Cytogenetic location: 14q21.2.
Variant type: single nucleotide variant.
Coding change: c.3179C>T on transcript NM_020937.4 (MANE Select); coding-DNA position 3179, C replaced by T.
Protein change: p.Pro1060Leu; replaces proline 1060 with leucine.
Molecular consequence: missense variant.
Genome position (GRCh38, 1-based): chr14:45,175,933, C>T. VCF-style: chr14-45175933-C-T. GRCh37 (hg19) VCF-style: chr14-45645136-C-T.
Other names: c.3101C>T, p.Pro1034Leu (NM_001308133.2); short protein forms P1034L, P1060L.
Identifiers: ClinVar variation 3711495 (VCV003711495.2).

ClinVar aggregate classification (germline): Uncertain significance. Review status: criteria provided, multiple submitters, no conflicts (2 of 4 stars). 2 submissions from 2 submitters: Uncertain significance (2). Last evaluated 2025-05-09.

Conditions:
Inborn genetic diseases. Identifiers: MedGen C0950123, MeSH D030342.
Fanconi anemia (FA). Also called: Fanconi's anemia. Identifiers: Orphanet 84, MedGen C0015625, MeSH D005199, MONDO:0019391.

Submissions (2):

Ambry Genetics
Classification: Uncertain significance for Inborn genetic diseases. Last evaluated: 2025-05-09. Review status: criteria provided, single submitter. Criteria: Ambry Variant Classification Scheme 2023. Collection method: clinical testing. Allele origin: germline.
Comment: The p.P1060L variant (also known as c.3179C>T), located in coding exon 14 of the FANCM gene, results from a C to T substitution at nucleotide position 3179. The proline at codon 1060 is replaced by leucine, an amino acid with similar properties. This amino acid position is conserved. In addition, this alteration is predicted to be tolerated by in silico analysis. Based on the available evidence, the clinical significance of this variant remains unclear.

Labcorp Genetics (formerly Invitae), Labcorp
Classification: Uncertain significance for Fanconi anemia. Last evaluated: 2024-12-30. Review status: criteria provided, single submitter. Criteria: Invitae Variant Classification Sherloc (09022015). Collection method: clinical testing. Allele origin: germline.
Comment: This sequence change replaces proline, which is neutral and non-polar, with leucine, which is neutral and non-polar, at codon 1060 of the FANCM protein (p.Pro1060Leu). This variant is not present in population databases (gnomAD no frequency). This variant has not been reported in the literature in individuals affected with FANCM-related conditions. An algorithm developed to predict the effect of missense changes on protein structure and function outputs the following: PolyPhen-2: "Benign". The leucine amino acid residue is found in multiple mammalian species, which suggests that this missense change does not adversely affect protein function. In summary, the available evidence is currently insufficient to determine the role of this variant in disease. Therefore, it has been classified as a Variant of Uncertain Significance.